The following is an entry in ClinVar:

NM_005430.4(WNT1):c.253G>A (p.Gly85Arg)

Gene: WNT1 (Wnt family member 1; plus strand). Cytogenetic location: 12q13.12.
Variant type: single nucleotide variant.
Coding change: c.253G>A on transcript NM_005430.4 (MANE Select); coding-DNA position 253, G replaced by A.
Protein change: p.Gly85Arg; replaces glycine 85 with arginine.
Molecular consequence: missense variant.
Genome position (GRCh38, 1-based): chr12:48,979,616, G>A. VCF-style: chr12-48979616-G-A. GRCh37 (hg19) VCF-style: chr12-49373399-G-A.
Other names: short protein forms G85R.
Identifiers: ClinVar variation 1488744 (VCV001488744.8), dbSNP rs1395476705, ClinGen allele CA384627854.
Genomic context (GRCh38, chr12:48,979,616, plus strand): 5'-AGCCGCAAACAGCGGCGTCTGATACGCCAAAATCCGGGGATCCTGCACAGCGTGAGTGGG[G>A]GGCTGCAGAGTGCCGTGCGCGAGTGCAAGTGGCAGTTCCGGAATCGCCGCTGGAACTGTC-3'
Protein context (NP_005421.1, residues 75-95): NPGILHSVSG[Gly85Arg]LQSAVRECKW

ClinVar aggregate classification (germline): Uncertain significance (1 of 4 stars; one submission).

Submission:

Labcorp Genetics (formerly Invitae), Labcorp
Classification: Uncertain significance. Last evaluated: 2021-04-23. Review status: criteria provided, single submitter. Criteria: Invitae Variant Classification Sherloc (09022015). Collection method: clinical testing. Allele origin: germline.
Comment: This sequence change replaces glycine with arginine at codon 85 of the WNT1 protein (p.Gly85Arg). The glycine residue is highly conserved and there is a moderate physicochemical difference between glycine and arginine. This variant is not present in population databases (ExAC no frequency). This variant has not been reported in the literature in individuals with WNT1-related conditions. Algorithms developed to predict the effect of missense changes on protein structure and function (SIFT, PolyPhen-2, Align-GVGD) all suggest that this variant is likely to be disruptive, but these predictions have not been confirmed by published functional studies and their clinical significance is uncertain. In summary, the available evidence is currently insufficient to determine the role of this variant in disease. Therefore, it has been classified as a Variant of Uncertain Significance.